The following is an entry in ClinVar:

ClinVar aggregate classification (germline): Uncertain significance (1 of 4 stars; one submission).

Conditions:
Ehlers-Danlos syndrome, classic type, 1 (EDSCL1). Also called: EHLERS-DANLOS SYNDROME, GRAVIS TYPE; EHLERS-DANLOS SYNDROME, SEVERE CLASSIC TYPE; Ehlers-Danlos syndrome, type 1; Ehlers-Danlos Syndrome, Classic Type, COL5A1-Related; EDS I. Identifiers: MedGen C0268335, MONDO:0019567, OMIM 130000.

gnomAD v4.1: 1 of 1,613,954 alleles (0.000062%); highest among the groups gnomAD compares: Admixed American, 0.0017%; no homozygotes.

Submission:

Labcorp Genetics (formerly Invitae), Labcorp
Classification: Uncertain significance for Ehlers-Danlos syndrome, classic type, 1. Last evaluated: 2023-05-19. Review status: criteria provided, single submitter. Criteria: Invitae Variant Classification Sherloc (09022015). Collection method: clinical testing. Allele origin: germline.
Comment: This sequence change replaces proline, which is neutral and non-polar, with glutamine, which is neutral and polar, at codon 762 of the COL5A1 protein (p.Pro762Gln). This variant is present in population databases (rs138259992, gnomAD 0.003%). This variant has not been reported in the literature in individuals affected with COL5A1-related conditions. An algorithm developed to predict the effect of missense changes on protein structure and function (PolyPhen-2) suggests that this variant is likely to be tolerated. In summary, the available evidence is currently insufficient to determine the role of this variant in disease. Therefore, it has been classified as a Variant of Uncertain Significance.

NM_000093.5(COL5A1):c.2285C>A (p.Pro762Gln)

Gene: COL5A1 (collagen type V alpha 1 chain; plus strand). Cytogenetic location: 9q34.3.
Variant type: single nucleotide variant.
Coding change: c.2285C>A on transcript NM_000093.5 (MANE Select); coding-DNA position 2285, C replaced by A.
Protein change: p.Pro762Gln; replaces proline 762 with glutamine.
Molecular consequence: missense variant.
Genome position (GRCh38, 1-based): chr9:134,768,462, C>A. VCF-style: chr9-134768462-C-A. GRCh37 (hg19) VCF-style: chr9-137660308-C-A.
Other names: c.2285C>A, p.Pro762Gln (NM_001278074.1); short protein forms P762Q.
Identifiers: ClinVar variation 2698762 (VCV002698762.3), dbSNP rs138259992, ClinGen allele CA5319250.